The following is an entry in ClinVar:

NM_181507.2(HPS5):c.460A>G (p.Thr154Ala)

Gene: HPS5 (HPS5 biogenesis of lysosomal organelles complex 2 subunit 2; minus strand). Cytogenetic location: 11p15.1.
Variant type: single nucleotide variant.
Coding change: c.460A>G on transcript NM_181507.2 (MANE Select); coding-DNA position 460, A replaced by G.
Protein change: p.Thr154Ala; replaces threonine 154 with alanine.
Molecular consequence: missense variant.
Genome position (GRCh38, 1-based): chr11:18,310,758, T>C on the plus strand (A>G on the coding strand, the complement: HPS5 is on the minus strand). VCF-style: chr11-18310758-T-C. GRCh37 (hg19) VCF-style: chr11-18332305-T-C.
Other names: c.118A>G, p.Thr40Ala (NM_007216.4, NM_181508.2); short protein forms T154A, T40A.
Identifiers: ClinVar variation 1418042 (VCV001418042.5), dbSNP rs781657787, ClinGen allele CA5910434.
Genomic context (GRCh38, chr11:18,310,758, plus strand): 5'-CTTGTATCTCACTACATACACAAAGAATGGGACTGCTTCTCACCTTTGCTTGTTTAGAAG[T>C]ATTGAGTTTGATAGCAGAAACCTTCCCAGCATGATCACCTACAAAAACTCTAAGAATAGC-3'
Protein context (NP_852608.1, residues 144-164): AGKVSAIKLN[Thr154Ala]SKQAKAAAAF

ClinVar aggregate classification (germline): Uncertain significance. Review status: criteria provided, multiple submitters, no conflicts (2 of 4 stars). 2 submissions from 2 submitters: Uncertain significance (2). Last evaluated 2025-11-11.

Conditions:
Inborn genetic diseases. Identifiers: MedGen C0950123, MeSH D030342.

Allele frequency attached by ClinVar (database versions not stated): TOPMed 0.00002; gnomAD exomes 0.00001; gnomAD 0.00001; ExAC 0.00001.
gnomAD v4.1: 24 of 1,613,622 alleles (0.0015%); highest among the groups gnomAD compares: Non-Finnish European, 0.0019%; no homozygotes.

Submissions (2):

Ambry Genetics
Classification: Uncertain significance for Inborn genetic diseases. Last evaluated: 2025-11-11. Review status: criteria provided, single submitter. Criteria: Ambry Variant Classification Scheme 2023. Collection method: clinical testing. Allele origin: germline.

Labcorp Genetics (formerly Invitae), Labcorp
Classification: Uncertain significance. Last evaluated: 2024-10-28. Review status: criteria provided, single submitter. Criteria: Invitae Variant Classification Sherloc (09022015). Collection method: clinical testing. Allele origin: germline.
Comment: This sequence change replaces threonine, which is neutral and polar, with alanine, which is neutral and non-polar, at codon 154 of the HPS5 protein (p.Thr154Ala). This variant is present in population databases (rs781657787, gnomAD 0.002%). This variant has not been reported in the literature in individuals affected with HPS5-related conditions. ClinVar contains an entry for this variant (Variation ID: 1418042). An algorithm developed to predict the effect of missense changes on protein structure and function (PolyPhen-2) suggests that this variant¬†is likely to be tolerated. In summary, the available evidence is currently insufficient to determine the role of this variant in disease. Therefore, it has been classified as a Variant of Uncertain Significance.